The following is an entry in ClinVar:

NM_002439.5(MSH3):c.2006G>C (p.Arg669Pro)

Gene: MSH3 (mutS homolog 3; plus strand). Cytogenetic location: 5q14.1.
Variant type: single nucleotide variant.
Coding change: c.2006G>C on transcript NM_002439.5 (MANE Select); coding-DNA position 2006, G replaced by C.
Protein change: p.Arg669Pro; replaces arginine 669 with proline.
Molecular consequence: missense variant.
Genome position (GRCh38, 1-based): chr5:80,768,042, G>C. VCF-style: chr5-80768042-G-C. GRCh37 (hg19) VCF-style: chr5-80063861-G-C.
Other names: short protein forms R669P.
Identifiers: ClinVar variation 3296268 (VCV003296268.3).

ClinVar aggregate classification (germline): Uncertain significance. Review status: criteria provided, multiple submitters, no conflicts (2 of 4 stars). 3 submissions from 3 submitters: Uncertain significance (3). Last evaluated 2025-08-24.

Conditions:
Hereditary cancer-predisposing syndrome. Also called: Tumor predisposition; Hereditary Cancer Syndrome; Hereditary neoplastic syndrome; Neoplastic Syndromes, Hereditary. Identifiers: Orphanet 140162, MedGen C0027672, MeSH D009386, MONDO:0015356.
Endometrial carcinoma. Also called: Endometrial carcinoma, somatic. Identifiers: MedGen C0476089, MONDO:0002447, OMIM 608089, HP:0012114.
Familial adenomatous polyposis 4 (FAP4). Also called: MSH3-related attenuated familial adenomatous polyposis. Identifiers: Orphanet 480536, MedGen C4310719, MONDO:0044300, OMIM 617100.

gnomAD v4.1: 2 of 1,613,568 alleles (0.00012%); highest among the groups gnomAD compares: Non-Finnish European, 0.00017%; no homozygotes.

Submissions (3):

Labcorp Genetics (formerly Invitae), Labcorp
Classification: Uncertain significance. Last evaluated: 2025-08-24. Review status: criteria provided, single submitter. Criteria: Invitae Variant Classification Sherloc (09022015). Collection method: clinical testing. Allele origin: germline.
Comment: This sequence change replaces arginine, which is basic and polar, with proline, which is neutral and non-polar, at codon 669 of the MSH3 protein (p.Arg669Pro). This variant is not present in population databases (gnomAD no frequency). This variant has not been reported in the literature in individuals affected with MSH3-related conditions. ClinVar contains an entry for this variant (Variation ID: 3296268). An algorithm developed to predict the effect of missense changes on protein structure and function (PolyPhen-2) suggests that this variant is likely to be disruptive. In summary, the available evidence is currently insufficient to determine the role of this variant in disease. Therefore, it has been classified as a Variant of Uncertain Significance.

Ambry Genetics
Classification: Uncertain significance for Hereditary cancer-predisposing syndrome. Last evaluated: 2024-03-28. Review status: criteria provided, single submitter. Criteria: Ambry Variant Classification Scheme 2023. Collection method: clinical testing. Allele origin: germline.
Comment: The p.R669P variant (also known as c.2006G>C), located in coding exon 14 of the MSH3 gene, results from a G to C substitution at nucleotide position 2006. The arginine at codon 669 is replaced by proline, an amino acid with dissimilar properties. This amino acid position is conserved. In addition, the in silico prediction for this alteration is inconclusive. Based on the available evidence, the clinical significance of this alteration remains unclear.

Fulgent Genetics
Classification: Uncertain significance for Endometrial carcinoma; Familial adenomatous polyposis 4. Last evaluated: 2024-03-09. Review status: criteria provided, single submitter. Criteria: ACMG Guidelines, 2015. Collection method: clinical testing. Allele origin: germline.